The following is an entry in ClinVar:

NM_012330.4(KAT6B):c.3962A>G (p.Gln1321Arg)

Gene: KAT6B (lysine acetyltransferase 6B; plus strand). Cytogenetic location: 10q22.2.
Variant type: single nucleotide variant.
Coding change: c.3962A>G on transcript NM_012330.4 (MANE Select); coding-DNA position 3962, A replaced by G.
Protein change: p.Gln1321Arg; replaces glutamine 1321 with arginine.
Molecular consequence: missense variant.
Genome position (GRCh38, 1-based): chr10:75,028,786, A>G. VCF-style: chr10-75028786-A-G. GRCh37 (hg19) VCF-style: chr10-76788544-A-G.
Other names: c.3413A>G, p.Gln1138Arg (NM_001256468.2, NM_001370138.1); c.3086A>G, p.Gln1029Arg (NM_001256469.2, NM_001370139.1, NM_001370140.1 and 2 more transcripts); c.2924A>G, p.Gln975Arg (NM_001370132.1); c.2273A>G, p.Gln758Arg (NM_001370133.1); c.1877A>G, p.Gln626Arg (NM_001370134.1); c.1619A>G, p.Gln540Arg (NM_001370135.1); c.3962A>G, p.Gln1321Arg (NM_001370136.1, NM_001370137.1); c.2897A>G, p.Gln966Arg (NM_001370143.1, NM_001370144.1); short protein forms Q966R, Q975R, Q540R, Q1321R, Q758R, Q1029R, Q1138R, Q626R.
Identifiers: ClinVar variation 2106688 (VCV002106688.4), dbSNP rs138030591, ClinGen allele CA377294794.

ClinVar aggregate classification (germline): Uncertain significance (1 of 4 stars; one submission).

Conditions:
Genitopatellar syndrome (GTPTS). Also called: ABSENT PATELLAE, SCROTAL HYPOPLASIA, RENAL ANOMALIES, FACIAL DYSMORPHISM, AND MENTAL RETARDATION; Genitopatellar syndrome (GPS). Identifiers: Orphanet 85201, MedGen C1853566, MONDO:0011640, OMIM 606170.

Submission:

Labcorp Genetics (formerly Invitae), Labcorp
Classification: Uncertain significance for Genitopatellar syndrome. Last evaluated: 2022-09-15. Review status: criteria provided, single submitter. Criteria: Invitae Variant Classification Sherloc (09022015). Collection method: clinical testing. Allele origin: germline.
Comment: In summary, the available evidence is currently insufficient to determine the role of this variant in disease. Therefore, it has been classified as a Variant of Uncertain Significance. Advanced modeling of protein sequence and biophysical properties (such as structural, functional, and spatial information, amino acid conservation, physicochemical variation, residue mobility, and thermodynamic stability) performed at Invitae indicates that this missense variant is not expected to disrupt KAT6B protein function. This variant has not been reported in the literature in individuals affected with KAT6B-related conditions. This variant is not present in population databases (gnomAD no frequency). This sequence change replaces glutamine, which is neutral and polar, with arginine, which is basic and polar, at codon 1321 of the KAT6B protein (p.Gln1321Arg).